The following is an entry in ClinVar:

ClinVar aggregate classification (germline): Uncertain significance (1 of 4 stars; one submission).

Conditions:
Hypertrophic cardiomyopathy 26. Also called: Cardiomyopathy, familial hypertrophic, 26. Identifiers: Orphanet 75249, MedGen C4310749, MONDO:0014883, OMIM 617047.
Myofibrillar myopathy 5. Also called: Filaminopathy (type); FILAMINOPATHY, AUTOSOMAL DOMINANT. Identifiers: Orphanet 171445, MedGen C1836050, MONDO:0012289, OMIM 609524.
Distal myopathy with posterior leg and anterior hand involvement. Also called: WILLIAMS DISTAL MYOPATHY. Identifiers: Orphanet 63273, MedGen C3279722, MONDO:0013550, OMIM 614065.

Submission:

Labcorp Genetics (formerly Invitae), Labcorp
Classification: Uncertain significance for Distal myopathy with posterior leg and anterior hand involvement; Myofibrillar myopathy 5; Hypertrophic cardiomyopathy 26. Last evaluated: 2025-08-22. Review status: criteria provided, single submitter. Criteria: Invitae Variant Classification Sherloc (09022015). Collection method: clinical testing. Allele origin: germline.
Comment: This variant, c.6818_6826del, results in the deletion of 3 amino acid(s) of the FLNC protein (p.Ala2273_Ser2275del), but otherwise preserves the integrity of the reading frame. This variant is not present in population databases (gnomAD no frequency). This variant has not been reported in the literature in individuals affected with FLNC-related conditions. Experimental studies and prediction algorithms are not available or were not evaluated, and the functional significance of this variant is currently unknown. In summary, the available evidence is currently insufficient to determine the role of this variant in disease. Therefore, it has been classified as a Variant of Uncertain Significance.

NM_001458.5(FLNC):c.6818_6826del (p.Ala2273_Ser2275del)

Genes: FLNC-AS1 (FLNC antisense RNA 1; minus strand), FLNC (filamin C; plus strand). Cytogenetic location: 7q32.1.
Variant type: Deletion.
Coding change: c.6818_6826del on transcript NM_001458.5 (MANE Select); coding-DNA positions 6818 to 6826, 9 bases deleted (CCTACAGCG; older notation c.6818_6826delCCTACAGCG).
Protein change: p.Ala2273_Ser2275del.
Genome position (GRCh38, 1-based): chr7:128,854,503-128,854,511, CCTACAGCG deleted; deleting any 9 consecutive bases within chr7:128,854,497-128,854,511 gives the same sequence; the c. name uses the placement nearest the transcript's 3' end. VCF-style (leftmost placement, unchanged base first): chr7-128854496-GACAGCGCCT-G. GRCh37 (hg19) VCF-style: chr7-128494550-GACAGCGCCT-G.
Other names: c.6719_6727del, p.Ala2240_Ser2242del (NM_001127487.2).
Identifiers: ClinVar variation 4812522 (VCV004812522.1).